The following is an entry in ClinVar:

ClinVar aggregate classification (germline): Likely benign. Review status: criteria provided, multiple submitters, no conflicts (2 of 4 stars). 4 submissions from 4 submitters: Likely benign (4). Last evaluated 2026-04-17.

Conditions:
Cardiovascular phenotype. Identifiers: MedGen CN230736.
TBX1-related disorder. Also called: TBX1-related condition; TBX1-Related Disorders.
DiGeorge syndrome. Also called: THIRD AND FOURTH PHARYNGEAL POUCH SYNDROME; Catch22. Identifiers: Orphanet 567, MedGen C0012236, MONDO:0008564, OMIM 188400.

Allele frequency attached by ClinVar (database versions not stated): gnomAD exomes 0.00001; gnomAD 0.00004 and 0.00006; 1000 Genomes Project 30x 0.00016; TOPMed 0.00018.

Submissions (4):

PreventionGenetics, part of Exact Sciences
Classification: Likely benign for TBX1-related condition. Last evaluated: 2026-04-17. Review status: criteria provided, single submitter. Criteria: ACMG Guidelines, 2015. Collection method: clinical testing. Allele origin: germline.
Comment: This variant is classified as likely benign based on ACMG/AMP sequence variant interpretation guidelines (Richards et al. 2015 PMID: 25741868, with internal and published modifications).

Labcorp Genetics (formerly Invitae), Labcorp
Classification: Likely benign for DiGeorge syndrome. Last evaluated: 2025-04-19. Review status: criteria provided, single submitter. Criteria: Invitae Variant Classification Sherloc (09022015). Collection method: clinical testing. Allele origin: germline.

CeGaT Center for Human Genetics Tuebingen
Classification: Likely benign. Last evaluated: 2024-05-01. Review status: criteria provided, single submitter. Criteria: CeGaT Center For Human Genetics Tuebingen Variant Classification Criteria Version 2. Collection method: clinical testing. Allele origin: germline. Affected: yes. Observed: 1 variant allele.
Comment: TBX1: BP4, BP7

Ambry Genetics
Classification: Likely benign for Cardiovascular phenotype. Last evaluated: 2023-02-16. Review status: criteria provided, single submitter. Criteria: Ambry Variant Classification Scheme 2023. Collection method: clinical testing. Allele origin: germline.

NM_001379200.1(TBX1):c.201C>G (p.Pro67=)

Gene: TBX1 (T-box transcription factor 1; plus strand). Cytogenetic location: 22q11.21.
Variant type: single nucleotide variant.
Coding change: c.201C>G on transcript NM_001379200.1 (MANE Select); coding-DNA position 201, C replaced by G.
Protein change: p.Pro67=; no amino-acid change (proline 67 retained).
Molecular consequence: synonymous variant.
Genome position (GRCh38, 1-based): chr22:19,761,044, C>G. VCF-style: chr22-19761044-C-G. GRCh37 (hg19) VCF-style: chr22-19748567-C-G.
Other names: c.174C>G, p.Pro58= (NM_005992.1, NM_080646.2, NM_080647.1).
Identifiers: ClinVar variation 772308 (VCV000772308.29), dbSNP rs1310802135, ClinGen allele CA513687748.